The following is an entry in ClinVar:

NM_206926.2(SELENON):c.506C>T (p.Thr169Ile)

Gene: SELENON (selenoprotein N; plus strand). Cytogenetic location: 1p36.11.
Variant type: single nucleotide variant.
Coding change: c.506C>T on transcript NM_206926.2 (MANE Select); coding-DNA position 506, C replaced by T.
Protein change: p.Thr169Ile; replaces threonine 169 with isoleucine.
Molecular consequence: missense variant.
Genome position (GRCh38, 1-based): chr1:25,808,650, C>T. VCF-style: chr1-25808650-C-T. GRCh37 (hg19) VCF-style: chr1-26135141-C-T.
Other names: c.608C>T, p.Thr203Ile (NM_020451.3); short protein forms T203I, T169I.
Identifiers: ClinVar variation 1042298 (VCV001042298.7), dbSNP rs755740382, ClinGen allele CA696574.

ClinVar aggregate classification (germline): Uncertain significance (1 of 4 stars; one submission).

Conditions:
Eichsfeld type congenital muscular dystrophy (CMYO3). Also called: Rigid spine muscular dystrophy 1; MYOPATHY, SEPN1-RELATED; SELENON-related myopathy; Congenital myopathy 3 with rigid spine. Identifiers: MedGen C0410180, MONDO:0100100, OMIM 602771.

Allele frequency attached by ClinVar (database versions not stated): gnomAD exomes below 0.00001 and 0.00001; ExAC 0.00001; gnomAD 0.00001.

Submission:

Labcorp Genetics (formerly Invitae), Labcorp
Classification: Uncertain significance for Eichsfeld type congenital muscular dystrophy. Last evaluated: 2020-10-23. Review status: criteria provided, single submitter. Criteria: Invitae Variant Classification Sherloc (09022015). Collection method: clinical testing. Allele origin: germline.
Comment: This variant has not been reported in the literature in individuals with SELENON-related conditions. Algorithms developed to predict the effect of missense changes on protein structure and function are either unavailable or do not agree on the potential impact of this missense change (SIFT: "Deleterious"; PolyPhen-2: "Benign"; Align-GVGD: "Class C15"). In summary, the available evidence is currently insufficient to determine the role of this variant in disease. Therefore, it has been classified as a Variant of Uncertain Significance. The frequency data for this variant in the population databases is considered unreliable, as metrics indicate poor data quality at this position in the ExAC database. This sequence change replaces threonine with isoleucine at codon 203 of the SELENON protein (p.Thr203Ile). The threonine residue is weakly conserved and there is a moderate physicochemical difference between threonine and isoleucine.